The following is an entry in ClinVar:

ClinVar aggregate classification (germline): Uncertain significance. Review status: criteria provided, multiple submitters, no conflicts (2 of 4 stars). 3 submissions from 3 submitters: Uncertain significance (3). Last evaluated 2024-04-18.

Conditions:
Joubert syndrome 24 (JBTS24). Identifiers: Orphanet 475, MedGen C4084841, MONDO:0014724, OMIM 616654.
Meckel syndrome, type 8. Identifiers: Orphanet 564, MedGen C3836857, MONDO:0013482, OMIM 613885.
Meckel-Gruber syndrome. Also called: DYSENCEPHALIA SPLANCHNOCYSTICA; GRUBER SYNDROME; Dysencephalia splachnocystica. Identifiers: Orphanet 564, MedGen C0265215, MONDO:0018921.
Joubert syndrome. Also called: CEREBELLOPARENCHYMAL DISORDER IV; JOUBERT-BOLTSHAUSER SYNDROME; Familial aplasia of the vermis. Identifiers: Orphanet 475, MedGen C5979921, MONDO:0018772.
Inborn genetic diseases. Identifiers: MedGen C0950123, MeSH D030342.

Allele frequency attached by ClinVar (database versions not stated): gnomAD exomes below 0.00001 and 0.00001; ExAC 0.00002; gnomAD 0.00004 and 0.00005; TOPMed 0.00006; 1000 Genomes Project 30x 0.00031; 1000 Genomes Project 0.00040.
gnomAD v4.1: 8 of 1,614,200 alleles (0.0005%); highest among the groups gnomAD compares: Admixed American, 0.0083%; no homozygotes.

Submissions (3):

Fulgent Genetics
Classification: Uncertain significance for Meckel syndrome, type 8; Joubert syndrome 24. Last evaluated: 2024-04-18. Review status: criteria provided, single submitter. Criteria: ACMG Guidelines, 2015. Collection method: clinical testing. Allele origin: germline.

Labcorp Genetics (formerly Invitae), Labcorp
Classification: Uncertain significance for Joubert syndrome; Meckel-Gruber syndrome. Last evaluated: 2023-11-27. Review status: criteria provided, single submitter. Criteria: Invitae Variant Classification Sherloc (09022015). Collection method: clinical testing. Allele origin: germline.
Comment: This sequence change replaces tyrosine, which is neutral and polar, with histidine, which is basic and polar, at codon 327 of the TCTN2 protein (p.Tyr327His). This variant is present in population databases (rs545101214, gnomAD 0.007%). This variant has not been reported in the literature in individuals affected with TCTN2-related conditions. ClinVar contains an entry for this variant (Variation ID: 1513929). Advanced modeling of protein sequence and biophysical properties (such as structural, functional, and spatial information, amino acid conservation, physicochemical variation, residue mobility, and thermodynamic stability) performed at Invitae indicates that this missense variant is not expected to disrupt TCTN2 protein function with a negative predictive value of 80%. In summary, the available evidence is currently insufficient to determine the role of this variant in disease. Therefore, it has been classified as a Variant of Uncertain Significance.

Ambry Genetics
Classification: Uncertain significance for Inborn genetic diseases. Last evaluated: 2023-11-13. Review status: criteria provided, single submitter. Criteria: Ambry Variant Classification Scheme 2023. Collection method: clinical testing. Allele origin: germline.

NM_024809.5(TCTN2):c.979T>C (p.Tyr327His)

Gene: TCTN2 (tectonic family member 2; plus strand). Cytogenetic location: 12q24.31.
Variant type: single nucleotide variant.
Coding change: c.979T>C on transcript NM_024809.5 (MANE Select); coding-DNA position 979, T replaced by C.
Protein change: p.Tyr327His; replaces tyrosine 327 with histidine.
Molecular consequence: missense variant.
Genome position (GRCh38, 1-based): chr12:123,690,620, T>C. VCF-style: chr12-123690620-T-C. GRCh37 (hg19) VCF-style: chr12-124175167-T-C.
Other names: c.979T>C (NM_024809.3); c.976T>C, p.Tyr326His (NM_001143850.3); short protein forms Y327H, Y326H.
Identifiers: ClinVar variation 1513929 (VCV001513929.7), dbSNP rs545101214, ClinGen allele CA6861057.